The following is an entry in ClinVar:

ClinVar aggregate classification (germline): Uncertain significance (1 of 4 stars; one submission).

Allele frequency attached by ClinVar (database versions not stated): TOPMed below 0.00001; ExAC 0.00001; gnomAD 0.00001; gnomAD exomes 0.00001.
gnomAD v4.1: 5 of 1,613,870 alleles (0.00031%); highest among the groups gnomAD compares: Admixed American, 0.0033%; no homozygotes.

Submission:

Labcorp Genetics (formerly Invitae), Labcorp
Classification: Uncertain significance. Last evaluated: 2022-03-02. Review status: criteria provided, single submitter. Criteria: Invitae Variant Classification Sherloc (09022015). Collection method: clinical testing. Allele origin: germline.
Comment: In summary, the available evidence is currently insufficient to determine the role of this variant in disease. Therefore, it has been classified as a Variant of Uncertain Significance. Algorithms developed to predict the effect of missense changes on protein structure and function are either unavailable or do not agree on the potential impact of this missense change (SIFT: "Deleterious"; PolyPhen-2: "Possibly Damaging"; Align-GVGD: "Class C0"). This variant has not been reported in the literature in individuals affected with SH3PXD2B-related conditions. This variant is present in population databases (rs764252514, gnomAD 0.002%). This sequence change replaces proline, which is neutral and non-polar, with histidine, which is basic and polar, at codon 282 of the SH3PXD2B protein (p.Pro282His).

NM_001017995.3(SH3PXD2B):c.845C>A (p.Pro282His)

Gene: SH3PXD2B (SH3 and PX domains 2B; minus strand). Cytogenetic location: 5q35.1.
Variant type: single nucleotide variant.
Coding change: c.845C>A on transcript NM_001017995.3 (MANE Select); coding-DNA position 845, C replaced by A.
Protein change: p.Pro282His; replaces proline 282 with histidine.
Molecular consequence: missense variant.
Genome position (GRCh38, 1-based): chr5:172,350,530, G>T on the plus strand (C>A on the coding strand, the complement: SH3PXD2B is on the minus strand). VCF-style: chr5-172350530-G-T. GRCh37 (hg19) VCF-style: chr5-171777534-G-T.
Other names: c.845C>A, p.Pro282His (NM_001308175.2); short protein forms P282H.
Identifiers: ClinVar variation 1464941 (VCV001464941.8), dbSNP rs764252514, ClinGen allele CA3561401.